The following is an entry in ClinVar:

ClinVar aggregate classification (germline): Uncertain significance. Review status: criteria provided, multiple submitters, no conflicts (2 of 4 stars). 2 submissions from 2 submitters: Uncertain significance (2). Last evaluated 2025-07-28.

Conditions:
Bethlem myopathy 1A. Also called: MYOPATHY, BENIGN CONGENITAL, WITH CONTRACTURES; Bethlem myopathy 1; Bethlem Muscular Dystrophy. Identifiers: Orphanet 610, MedGen CN029274, MONDO:0024530, OMIM 158810.

Allele frequency attached by ClinVar (database versions not stated): gnomAD 0.00001; TOPMed 0.00004.

Submissions (2):

Labcorp Genetics (formerly Invitae), Labcorp
Classification: Uncertain significance for Bethlem myopathy 1A. Last evaluated: 2025-07-28. Review status: criteria provided, single submitter. Criteria: Invitae Variant Classification Sherloc (09022015). Collection method: clinical testing. Allele origin: germline.
Comment: This sequence change falls in intron 18 of the COL6A2 gene. It does not directly change the encoded amino acid sequence of the COL6A2 protein. It affects a nucleotide within the consensus splice site. This variant is present in population databases (rs760353646, gnomAD 0.01%). This variant has not been reported in the literature in individuals affected with COL6A2-related conditions. ClinVar contains an entry for this variant (Variation ID: 194829). Variants that disrupt the consensus splice site are a relatively common cause of aberrant splicing (PMID: 17576681, 9536098). Algorithms developed to predict the effect of sequence changes on RNA splicing suggest that this variant is not likely to affect RNA splicing. In summary, the available evidence is currently insufficient to determine the role of this variant in disease. Therefore, it has been classified as a Variant of Uncertain Significance.

Eurofins Ntd Llc (ga)
Classification: Uncertain significance. Last evaluated: 2014-12-09. Review status: criteria provided, single submitter. Criteria: EGL Classification Definitions 2015. Collection method: clinical testing. Allele origin: germline. Observed: 1 variant allele, 1 heterozygote.

Literature cited by the submitters: PubMed 17576681 (cited by Labcorp Genetics (formerly Invitae), Labcorp); PubMed 9536098 (cited by Labcorp Genetics (formerly Invitae), Labcorp).

NM_001849.4(COL6A2):c.1521+5G>A

Gene: COL6A2 (collagen type VI alpha 2 chain; plus strand). Cytogenetic location: 21q22.3.
Variant type: single nucleotide variant.
Coding change: c.1521+5G>A on transcript NM_001849.4 (MANE Select); 5 bases into the intron after coding-DNA position 1521, G replaced by A.
Molecular consequence: intron variant.
Genome position (GRCh38, 1-based): chr21:46,121,623, G>A. VCF-style: chr21-46121623-G-A. GRCh37 (hg19) VCF-style: chr21-47541537-G-A.
Other names: c.1521+5G>A (NM_058175.3, NM_058174.3).
Identifiers: ClinVar variation 194829 (VCV000194829.11), dbSNP rs760353646, ClinGen allele CA241019.